The following continues an entry in ClinVar:

NM_001609.4(ACADSB):c.303+1G>A

Gene: ACADSB. ClinVar aggregate classification (germline): Conflicting classifications of pathogenicity. Pathogenic (7); Likely pathogenic (6); Uncertain significance (1).

Submissions 10 to 16 of 16:

Revvity Omics, Revvity
Classification: Likely pathogenic for Deficiency of 2-methylbutyryl-CoA dehydrogenase. Last evaluated: 2022-06-01. Review status: criteria provided, single submitter. Criteria: ACMG Guidelines, 2015. Collection method: clinical testing. Allele origin: germline.

Centre for Mendelian Genomics, University Medical Centre Ljubljana
Classification: Pathogenic for Deficiency of 2-methylbutyryl-CoA dehydrogenase. Last evaluated: 2019-11-12. Review status: criteria provided, single submitter. Criteria: ACMG Guidelines, 2015. Collection method: clinical testing. Allele origin: unknown. Affected: yes.
Comment: This variant was classified as: Pathogenic. The following ACMG criteria were applied in classifying this variant: PVS1,PS1.

Illumina Laboratory Services, Illumina
Classification: Likely pathogenic for Deficiency of 2-methylbutyryl-CoA dehydrogenase. Last evaluated: 2018-12-03. Review status: criteria provided, single submitter. Criteria: ICSL Variant Classification Criteria 09 May 2019. Collection method: clinical testing. Allele origin: germline.
Comment: The ACADSB c.303+1G>A variant occurs in a canonical splice site (donor) and is therefore predicted to disrupt or distort the normal gene product. The c.303+1G>A variant has been reported in one study in which it was found in a homozygous state in two individuals with acyl-CoA dehydrogenase deficiency, oneof whom was symptomatic and the other asymptomatic newborn (Alfardan et al. 2010). Control data are unavailable for this variant, which is reported at a frequency of 0.000931 in the European American population of the Exome Sequencing Project. Based on the potential impact of splice donor variants and the clinical evidence, the c.303+1G>A variant is classified as likely pathogenic for acyl-CoA dehydrogenase deficiency. This variant was observed by ICSL as part of a predisposition screen in an ostensibly healthy population.

CeGaT Center for Human Genetics Tuebingen
Classification: Uncertain significance. Last evaluated: 2018-08-01. Review status: criteria provided, single submitter. Criteria: CeGaT Center For Human Genetics Tuebingen Variant Classification Criteria Version 2. Collection method: clinical testing. Allele origin: germline. Affected: yes. Observed: 1 variant allele.

Eurofins Ntd Llc (ga)
Classification: Likely pathogenic. Last evaluated: 2017-08-29. Review status: criteria provided, single submitter. Criteria: EGL Classification Definitions 2015. Collection method: clinical testing. Allele origin: germline. Observed: 5 variant alleles, 5 heterozygotes.

OMIM
Classification: Pathogenic for 2-METHYLBUTYRYL-CoA DEHYDROGENASE DEFICIENCY. Last evaluated: 2021-01-18. Review status: no assertion criteria provided. Collection method: literature only. Allele origin: germline. Not counted in ClinVar's aggregate classification.

Division of Human Genetics, Children's Hospital of Philadelphia
Classification: Pathogenic for 2-methylbutyrylglycinuria. Last evaluated: 2014-07-17. Review status: no assertion criteria provided. Collection method: research. Allele origin: germline. Study: CSER-PediSeq. Not counted in ClinVar's aggregate classification.
Comment: The ACADSB variant (c.303+1G>A) identified in this patient is located in the first intronic position of the donor splice site and, therefore, meets the criteria for a pathogenic variant.

Literature cited by the submitters: PubMed 16199547 (cited by Labcorp Genetics (formerly Invitae), Labcorp); PubMed 20547083 (cited by 6 submitters); PubMed 26284228 (cited by Labcorp Genetics (formerly Invitae), Labcorp and Variantyx, Inc.); PubMed 31980526 (cited by Women's Health and Genetics/Laboratory Corporation of America, LabCorp); PubMed 33727708 (cited by Women's Health and Genetics/Laboratory Corporation of America, LabCorp and Laboratory for Molecular Medicine, Mass General Brigham Personalized Medicine); PubMed 30730842 (cited by Laboratory for Molecular Medicine, Mass General Brigham Personalized Medicine).